The following is an entry in ClinVar:

NM_001148.6(ANK2):c.6586G>A (p.Gly2196Ser)

Gene: ANK2 (ankyrin 2; plus strand). Cytogenetic location: 4q26.
Variant type: single nucleotide variant.
Coding change: c.6586G>A on transcript NM_001148.6 (MANE Select); coding-DNA position 6586, G replaced by A.
Protein change: p.Gly2196Ser; replaces glycine 2196 with serine.
Molecular consequence: missense variant. On other transcripts: intron variant (68).
Genome position (GRCh38, 1-based): chr4:113,355,204, G>A. VCF-style: chr4-113355204-G-A. GRCh37 (hg19) VCF-style: chr4-114276360-G-A.
Other names: c.6352G>A, p.Gly2118Ser (NM_001386142.1); c.2986G>A, p.Gly996Ser (NM_001386166.1); c.6727G>A, p.Gly2243Ser (NM_001386174.1); c.6703G>A, p.Gly2235Ser (NM_001386175.1); c.4411+4955G>A (NM_001386186.2, NM_001386148.2); c.4213+4955G>A (NM_001354269.3); c.4291+4955G>A (NM_001386187.2); c.4252+4955G>A (NM_001386147.1); and 35 more; short protein forms G2196S, G2118S, G2235S, G2243S, G996S.
Identifiers: ClinVar variation 527020 (VCV000527020.23), dbSNP rs776545207, ClinGen allele CA3051436.

ClinVar aggregate classification (germline): Conflicting classifications of pathogenicity. Review status: criteria provided, conflicting classifications (1 of 4 stars). 5 submissions from 5 submitters: Uncertain significance (2); Likely benign (3). Last evaluated 2024-09-01.

Conditions:
Cardiac arrhythmia, ankyrin-B-related. Also called: ANKYRIN-B SYNDROME. Identifiers: Orphanet 101016, Orphanet 768, MedGen C1970119, MONDO:0010958, OMIM 600919.
Long QT syndrome (LQTS). Identifiers: MedGen C0023976, MeSH D008133, MONDO:0002442. Disease mechanism: loss of function. Inheritance: Various modes of inheritance.
Cardiovascular phenotype. Identifiers: MedGen CN230736.

Allele frequency attached by ClinVar (database versions not stated): gnomAD 0.00001 and 0.00003; TOPMed 0.00003; gnomAD exomes 0.00004; ExAC 0.00006.
gnomAD v4.1: 40 of 1,613,936 alleles (0.0025%); highest among the groups gnomAD compares: Middle Eastern, 0.033%; no homozygotes.

Submissions (5):

CeGaT Center for Human Genetics Tuebingen
Classification: Likely benign. Last evaluated: 2024-09-01. Review status: criteria provided, single submitter. Criteria: CeGaT Center For Human Genetics Tuebingen Variant Classification Criteria Version 2. Collection method: clinical testing. Allele origin: germline. Affected: yes. Observed: 1 variant allele.
Comment: ANK2: BP4

Labcorp Genetics (formerly Invitae), Labcorp
Classification: Uncertain significance for Long QT syndrome. Last evaluated: 2024-03-13. Review status: criteria provided, single submitter. Criteria: Invitae Variant Classification Sherloc (09022015). Collection method: clinical testing. Allele origin: germline.
Comment: This sequence change replaces glycine, which is neutral and non-polar, with serine, which is neutral and polar, at codon 2196 of the ANK2 protein (p.Gly2196Ser). This variant is present in population databases (rs776545207, gnomAD 0.01%). This missense change has been observed in individual(s) with autism spectrum disorder (PMID: 30564305). ClinVar contains an entry for this variant (Variation ID: 527020). Algorithms developed to predict the effect of missense changes on protein structure and function output the following: SIFT: "Not Available"; PolyPhen-2: "Benign"; Align-GVGD: "Not Available". The serine amino acid residue is found in multiple mammalian species, which suggests that this missense change does not adversely affect protein function. In summary, the available evidence is currently insufficient to determine the role of this variant in disease. Therefore, it has been classified as a Variant of Uncertain Significance.

Blueprint Genetics
Classification: Likely benign. Last evaluated: 2023-07-07. Review status: criteria provided, single submitter. Criteria: ACMG Guidelines, 2015. Collection method: clinical testing. Allele origin: germline.

Ambry Genetics
Classification: Likely benign for Cardiovascular phenotype. Last evaluated: 2023-06-02. Review status: criteria provided, single submitter. Criteria: Ambry Variant Classification Scheme 2023. Collection method: clinical testing. Allele origin: germline.

Fulgent Genetics
Classification: Uncertain significance for Cardiac arrhythmia, ankyrin-B-related. Last evaluated: 2021-08-09. Review status: criteria provided, single submitter. Criteria: ACMG Guidelines, 2015. Collection method: clinical testing. Allele origin: unknown.

Literature cited by the submitters: PubMed 30564305 (cited by Labcorp Genetics (formerly Invitae), Labcorp).